The following is an entry in ClinVar:

ClinVar aggregate classification (germline): Uncertain significance (1 of 4 stars; one submission).

Conditions:
Amyotrophic lateral sclerosis type 4 (ALS4). Also called: AMYOTROPHIC LATERAL SCLEROSIS 4, JUVENILE; NEURONOPATHY, DISTAL HEREDITARY MOTOR, WITH PYRAMIDAL FEATURES. Identifiers: Orphanet 357043, MedGen C1865409, MONDO:0011223, OMIM 602433.
Spinocerebellar ataxia, autosomal recessive, with axonal neuropathy 2 (SCAN2). Also called: ATAXIA-OCULOMOTOR APRAXIA 2; Ataxia with Oculomotor Apraxia Type 2; Ataxia-ocular apraxia-2; Ataxia with Oculomotor Apraxia. Identifiers: Orphanet 64753, MedGen C1853761, MONDO:0018996, OMIM 606002.

gnomAD v4.1: 1 of 1,604,738 alleles (0.000062%); highest among the groups gnomAD compares: Non-Finnish European, 0.000085%; no homozygotes.

Submission:

Labcorp Genetics (formerly Invitae), Labcorp
Classification: Uncertain significance for Amyotrophic lateral sclerosis type 4; Spinocerebellar ataxia, autosomal recessive, with axonal neuropathy 2. Last evaluated: 2024-11-27. Review status: criteria provided, single submitter. Criteria: Invitae Variant Classification Sherloc (09022015). Collection method: clinical testing. Allele origin: germline.
Comment: This sequence change replaces lysine, which is basic and polar, with arginine, which is basic and polar, at codon 365 of the SETX protein (p.Lys365Arg). This variant is not present in population databases (gnomAD no frequency). This variant has not been reported in the literature in individuals affected with SETX-related conditions. Invitae Evidence Modeling of protein sequence and biophysical properties (such as structural, functional, and spatial information, amino acid conservation, physicochemical variation, residue mobility, and thermodynamic stability) indicates that this missense variant is not expected to disrupt SETX protein function with a negative predictive value of 95%. In summary, the available evidence is currently insufficient to determine the role of this variant in disease. Therefore, it has been classified as a Variant of Uncertain Significance.

NM_015046.7(SETX):c.1094A>G (p.Lys365Arg)

Gene: SETX (senataxin; minus strand). Cytogenetic location: 9q34.13.
Variant type: single nucleotide variant.
Coding change: c.1094A>G on transcript NM_015046.7 (MANE Select); coding-DNA position 1094, A replaced by G.
Protein change: p.Lys365Arg; replaces lysine 365 with arginine.
Molecular consequence: missense variant.
Genome position (GRCh38, 1-based): chr9:132,331,056, T>C on the plus strand (A>G on the coding strand, the complement: SETX is on the minus strand). VCF-style: chr9-132331056-T-C. GRCh37 (hg19) VCF-style: chr9-135206443-T-C.
Other names: c.1094A>G, p.Lys365Arg (NM_001351527.2, NM_001351528.2); short protein forms K365R.
Identifiers: ClinVar variation 3753936 (VCV003753936.2).